The following is an entry in ClinVar:

NM_003105.6(SORL1):c.5811C>A (p.His1937Gln)

Gene: SORL1 (sortilin related receptor 1; plus strand). Cytogenetic location: 11q24.1.
Variant type: single nucleotide variant.
Coding change: c.5811C>A on transcript NM_003105.6 (MANE Select); coding-DNA position 5811, C replaced by A.
Protein change: p.His1937Gln; replaces histidine 1937 with glutamine.
Molecular consequence: missense variant.
Genome position (GRCh38, 1-based): chr11:121,619,839, C>A. VCF-style: chr11-121619839-C-A. GRCh37 (hg19) VCF-style: chr11-121490548-C-A.
Other names: short protein forms H1937Q.
Identifiers: ClinVar variation 1480645 (VCV001480645.7), dbSNP rs767565605, ClinGen allele CA6330076.

ClinVar aggregate classification (germline): Uncertain significance (1 of 4 stars; one submission).

Allele frequency attached by ClinVar (database versions not stated): gnomAD exomes below 0.00001; ExAC 0.00001; gnomAD 0.00002; TOPMed 0.00002.
gnomAD v4.1: 60 of 1,613,956 alleles (0.0037%); highest among the groups gnomAD compares: Non-Finnish European, 0.0047%; no homozygotes.

Submission:

Labcorp Genetics (formerly Invitae), Labcorp
Classification: Uncertain significance. Last evaluated: 2021-07-12. Review status: criteria provided, single submitter. Criteria: Invitae Variant Classification Sherloc (09022015). Collection method: clinical testing. Allele origin: germline.
Comment: In summary, the available evidence is currently insufficient to determine the role of this variant in disease. Therefore, it has been classified as a Variant of Uncertain Significance. Algorithms developed to predict the effect of missense changes on protein structure and function are either unavailable or do not agree on the potential impact of this missense change (SIFT: "Tolerated"; PolyPhen-2: "Possibly Damaging"; Align-GVGD: "Class C0"). This variant has not been reported in the literature in individuals affected with SORL1-related conditions. This variant is present in population databases (rs767565605, ExAC 0.001%). This sequence change replaces histidine with glutamine at codon 1937 of the SORL1 protein (p.His1937Gln). The histidine residue is moderately conserved and there is a small physicochemical difference between histidine and glutamine.